The following is an entry in ClinVar:

ClinVar aggregate classification (germline): Conflicting classifications of pathogenicity. Review status: criteria provided, conflicting classifications (1 of 4 stars). 6 submissions from 6 submitters: Uncertain significance (4); Likely benign (2). Last evaluated 2026-02-25.

Conditions:
Inborn genetic diseases. Identifiers: MedGen C0950123, MeSH D030342.
Pontocerebellar hypoplasia type 4 (PCH4). Also called: Pontocerebellar Hypoplasia Type 4 (PCH4). Identifiers: Orphanet 166063, MedGen C1856974, MONDO:0009166, OMIM 225753.
Pontocerebellar hypoplasia type 2A (PCH2A). Also called: PONTOCEREBELLAR HYPOPLASIA WITH PROGRESSIVE CEREBRAL ATROPHY; VOLENDAM NEURODEGENERATIVE DISEASE. Identifiers: Orphanet 2524, MedGen C1848526, MONDO:0010190, OMIM 277470.
Pontocerebellar hypoplasia type 5 (PCH5). Also called: Pontocerebellar Hypoplasia Type 5 (PCH5). Identifiers: Orphanet 166068, MedGen C1857762, MONDO:0012438, OMIM 610204.

Allele frequency attached by ClinVar (database versions not stated): gnomAD exomes 0.00036 and 0.00062; ESP Exome Variant Server 0.00038; gnomAD 0.00039 and 0.00041; ExAC 0.00081.

Submissions (13):

Ambry Genetics
Classification: Uncertain significance for Inborn genetic diseases. Last evaluated: 2026-02-25. Review status: criteria provided, single submitter. Criteria: Ambry Variant Classification Scheme 2023. Collection method: clinical testing. Allele origin: germline.
Comment: The c.1313G>A (p.R438Q) alteration is located in exon 9 (coding exon 9) of the TSEN54 gene. This alteration results from a G to A substitution at nucleotide position 1313, causing the arginine (R) at amino acid position 438 to be replaced by a glutamine (Q). Based on data from gnomAD, the A allele has an overall frequency of 0.069% (196/282832) total alleles studied. The highest observed frequency was 0.128% (32/25086) of European (Finnish) alleles. Based on insufficient or conflicting evidence, the clinical significance of this alteration remains unclear.

Labcorp Genetics (formerly Invitae), Labcorp
Classification: Likely benign. Last evaluated: 2026-01-21. Review status: criteria provided, single submitter. Criteria: Invitae Variant Classification Sherloc (09022015). Collection method: clinical testing. Allele origin: germline.

CeGaT Center for Human Genetics Tuebingen
Classification: Likely benign. Last evaluated: 2026-01-01. Review status: criteria provided, single submitter. Criteria: CeGaT Center For Human Genetics Tuebingen Variant Classification Criteria Version 2. Collection method: clinical testing. Allele origin: germline. Affected: yes. Observed: 2 variant alleles.
Comment: TSEN54: BP4

GeneDx
Classification: Uncertain significance. Last evaluated: 2023-10-17. Review status: criteria provided, single submitter. Criteria: GeneDx Variant Classification Process June 2021. Collection method: clinical testing. Allele origin: germline. Affected: yes.
Comment: In silico analysis supports that this missense variant does not alter protein structure/function; Has not been previously published as pathogenic or benign to our knowledge; In silico analysis is inconclusive as to whether the variant alters gene splicing. In the absence of RNA/functional studies, the actual effect of this sequence change is unknown.

Women's Health and Genetics/Laboratory Corporation of America, LabCorp
Classification: Uncertain significance. Last evaluated: 2022-11-09. Review status: criteria provided, single submitter. Criteria: LabCorp Variant Classification Summary - May 2015. Collection method: clinical testing. Allele origin: germline.

Fulgent Genetics
Classification: Uncertain significance for Pontocerebellar hypoplasia type 4; Pontocerebellar hypoplasia type 2A; Pontocerebellar hypoplasia type 5. Last evaluated: 2021-09-30. Review status: criteria provided, single submitter. Criteria: ACMG Guidelines, 2015. Collection method: clinical testing. Allele origin: unknown.

Dr. Peter K. Rogan Lab, Western University
No classification provided (evidence only). Condition: Malignant tumor of urinary bladder. Review status: no classification provided. Collection method: in vitro. Allele origin: not applicable. Functional consequence: skipped exon, retained intron. Not counted in ClinVar's aggregate classification.

Dr. Peter K. Rogan Lab, Western University
No classification provided (evidence only). Condition: Familial cancer of breast. Review status: no classification provided. Collection method: in vitro. Allele origin: not applicable. Functional consequence: skipped exon, retained intron. Not counted in ClinVar's aggregate classification.

Dr. Peter K. Rogan Lab, Western University
No classification provided (evidence only). Condition: Familial cancer of breast. Review status: no classification provided. Collection method: in vitro. Allele origin: not applicable. Functional consequence: retained intron. Not counted in ClinVar's aggregate classification.

Dr. Peter K. Rogan Lab, Western University
No classification provided (evidence only). Condition: Colorectal cancer. Review status: no classification provided. Collection method: in vitro. Allele origin: not applicable. Functional consequence: skipped exon, retained intron. Not counted in ClinVar's aggregate classification.

Dr. Peter K. Rogan Lab, Western University
No classification provided (evidence only). Condition: Thyroid cancer, nonmedullary, 1. Review status: no classification provided. Collection method: in vitro. Allele origin: not applicable. Functional consequence: skipped exon, retained intron. Not counted in ClinVar's aggregate classification.

Dr. Peter K. Rogan Lab, Western University
No classification provided (evidence only). Condition: Gastric cancer. Review status: no classification provided. Collection method: in vitro. Allele origin: not applicable. Functional consequence: retained intron. Not counted in ClinVar's aggregate classification.

Dr. Peter K. Rogan Lab, Western University
No classification provided (evidence only). Condition: Malignant tumor of esophagus. Review status: no classification provided. Collection method: in vitro. Allele origin: not applicable. Functional consequence: skipped exon, retained intron. Not counted in ClinVar's aggregate classification.

NM_207346.3(TSEN54):c.1313G>A (p.Arg438Gln)

Gene: TSEN54 (tRNA splicing endonuclease subunit 54; plus strand). Cytogenetic location: 17q25.1.
Variant type: single nucleotide variant.
Coding change: c.1313G>A on transcript NM_207346.3 (MANE Select); coding-DNA position 1313, G replaced by A.
Protein change: p.Arg438Gln; replaces arginine 438 with glutamine.
Molecular consequence: missense variant.
Genome position (GRCh38, 1-based): chr17:75,523,335, G>A. VCF-style: chr17-75523335-G-A. GRCh37 (hg19) VCF-style: chr17-73519416-G-A.
Other names: short protein forms R438Q.
Identifiers: ClinVar variation 1210718 (VCV001210718.23), dbSNP rs200228117, ClinGen allele CA8764397.